The following is an entry in ClinVar:

ClinVar aggregate classification (germline): Conflicting classifications of pathogenicity. Review status: criteria provided, conflicting classifications (1 of 4 stars). 2 submissions from 2 submitters: Likely pathogenic (1); Uncertain significance (1). Last evaluated 2025-04-14.

Conditions:
Neuronal ceroid lipofuscinosis 8 (CLN8). Also called: CLN8-Related Neuronal Ceroid-Lipofuscinosis. Identifiers: Orphanet 168491, Orphanet 228354, Orphanet 79264, MedGen C1838570, MONDO:0010830, OMIM 600143.
Neuronal ceroid lipofuscinosis. Also called: Neuronal Ceroid Lipofuscinoses. Identifiers: Orphanet 216, Orphanet 79263, MedGen C0027877, MONDO:0016295. Disease mechanism: loss of function.

Submissions (2):

Natera, Inc.
Classification: Likely pathogenic for Neuronal ceroid lipofuscinosis 8. Last evaluated: 2025-04-14. Review status: criteria provided, single submitter. Criteria: Natera Variant Classification Schema (03/2026). Collection method: clinical testing. Allele origin: germline.
Comment: The c.827delG variant in CLN8 is a frameshift variant predicted to elongate the protein beyond the termination codon. This variant is expected to result in nonsense mediated decay, truncation, or a dysfunctional protein product. This variant is rare in the general population with a frequency below the threshold expected for the associated phenotype(s). Given the available evidence, this variant is classified as Likely Pathogenic.

Labcorp Genetics (formerly Invitae), Labcorp
Classification: Uncertain significance for Neuronal ceroid lipofuscinosis. Last evaluated: 2022-09-06. Review status: criteria provided, single submitter. Criteria: Invitae Variant Classification Sherloc (09022015). Collection method: clinical testing. Allele origin: germline.
Comment: This sequence change results in a frameshift in the CLN8 gene (p.Gly276Alafs*43). While this is not anticipated to result in nonsense mediated decay, it is expected to disrupt the last 11 amino acid(s) of the CLN8 protein and extend the protein by 31 additional amino acid residues. This variant is present in population databases (no rsID available, gnomAD 0.006%). This variant has not been reported in the literature in individuals affected with CLN8-related conditions. ClinVar contains an entry for this variant (Variation ID: 1011113). Experimental studies and prediction algorithms are not available or were not evaluated, and the functional significance of this variant is currently unknown. In summary, the available evidence is currently insufficient to determine the role of this variant in disease. Therefore, it has been classified as a Variant of Uncertain Significance.

NM_018941.4(CLN8):c.827del (p.Gly276fs)

Gene: CLN8 (CLN8 transmembrane ER and ERGIC protein; plus strand). Cytogenetic location: 8p23.3.
Variant type: Deletion.
Coding change: c.827del on transcript NM_018941.4 (MANE Select); coding-DNA position 827, one base deleted (G; older notation c.827delG).
Protein change: p.Gly276fs; shifts the reading frame from glycine 276.
Molecular consequence: frameshift variant.
Genome position (GRCh38, 1-based): chr8:1,780,533, G deleted; the last of 2 consecutive G bases (chr8:1,780,532-1,780,533); deleting either gives the same sequence. VCF-style (leftmost placement, unchanged base first): chr8-1780531-AG-A. GRCh37 (hg19) VCF-style: chr8-1728697-AG-A.
Other names: c.827delG (NM_018941.3); short protein forms G276fs.
Identifiers: ClinVar variation 1011113 (VCV001011113.3), dbSNP rs1365308812, ClinGen allele CA579552593.